The following is an entry in ClinVar:

ClinVar aggregate classification (germline): Uncertain significance. Review status: criteria provided, multiple submitters, no conflicts (2 of 4 stars). 7 submissions from 7 submitters: Uncertain significance (6). 1 of the submissions does not count toward it. Last evaluated 2026-02-18.

Conditions:
PCDH15-related disorder. Also called: PCDH15-related condition; PCDH15-related disorders.
Autosomal recessive nonsyndromic hearing loss 23. Identifiers: Orphanet 90636, MedGen C1836027, MONDO:0012293, OMIM 609533.
Usher syndrome type 1D (USH1D). Also called: USHER SYNDROME, TYPE ID. Identifiers: Orphanet 231169, Orphanet 886, MedGen C1832845, MONDO:0010984, OMIM 601067.
Usher syndrome type 1F (USH1F). Also called: USHER SYNDROME, TYPE IF. Identifiers: Orphanet 231169, Orphanet 886, MedGen C1865885, MONDO:0011186, OMIM 602083.

Allele frequency attached by ClinVar (database versions not stated): gnomAD 0.00006; TOPMed 0.00006.
gnomAD v4.1: 171 of 1,613,568 alleles (0.011%); highest among the groups gnomAD compares: Non-Finnish European, 0.013%; no homozygotes.

Submissions (7):

PreventionGenetics, part of Exact Sciences
Classification: Uncertain significance for PCDH15-related condition. Last evaluated: 2026-02-18. Review status: criteria provided, single submitter. Criteria: ACMG Guidelines, 2015. Collection method: clinical testing. Allele origin: germline.
Comment: The PCDH15 c.709C>T variant is predicted to result in the amino acid substitution p.Arg237Cys. To our knowledge, this variant has not been reported in the literature. This variant is reported in 0.029% of alleles in individuals of Ashkenazi Jewish descent in gnomAD. At this time, the clinical significance of this variant is uncertain due to the absence of conclusive functional and genetic evidence.

GeneDx
Classification: Uncertain significance. Last evaluated: 2025-11-11. Review status: criteria provided, single submitter. Criteria: GeneDx Variant Classification Process June 2021. Collection method: clinical testing. Allele origin: germline. Affected: yes.
Comment: In silico analysis supports that this missense variant has a deleterious effect on protein structure/function; Has not been previously published as pathogenic or benign to our knowledge

Blueprint Genetics
Classification: Uncertain significance. Last evaluated: 2024-04-17. Review status: criteria provided, single submitter. Criteria: ACMG Guidelines, 2015. Collection method: clinical testing. Allele origin: germline.

Labcorp Genetics (formerly Invitae), Labcorp
Classification: Uncertain significance. Last evaluated: 2022-07-12. Review status: criteria provided, single submitter. Criteria: Invitae Variant Classification Sherloc (09022015). Collection method: clinical testing. Allele origin: germline.
Comment: This sequence change replaces arginine, which is basic and polar, with cysteine, which is neutral and slightly polar, at codon 237 of the PCDH15 protein (p.Arg237Cys). This variant is present in population databases (rs200798008, gnomAD 0.03%). This variant has not been reported in the literature in individuals affected with PCDH15-related conditions. ClinVar contains an entry for this variant (Variation ID: 164933). Algorithms developed to predict the effect of missense changes on protein structure and function are either unavailable or do not agree on the potential impact of this missense change (SIFT: "Deleterious"; PolyPhen-2: "Probably Damaging"; Align-GVGD: "Class C0"). In summary, the available evidence is currently insufficient to determine the role of this variant in disease. Therefore, it has been classified as a Variant of Uncertain Significance.

Fulgent Genetics
Classification: Uncertain significance for Usher syndrome type 1D; Usher syndrome type 1F; Autosomal recessive nonsyndromic hearing loss 23. Last evaluated: 2022-03-31. Review status: criteria provided, single submitter. Criteria: ACMG Guidelines, 2015. Collection method: clinical testing. Allele origin: unknown.

Laboratory for Molecular Medicine, Mass General Brigham Personalized Medicine
Classification: Uncertain significance. Last evaluated: 2017-05-31. Review status: criteria provided, single submitter. Criteria: LMM Criteria. Collection method: clinical testing. Allele origin: germline. Observed: 2 variant alleles.
Comment: This varia nt has also been identified in 15/126086 European chromosomes and 3/10142 Ashken azi Jewish chromosomes by the Genome Aggregation Database (gnomAD .; dbSNP rs200798008). Although this variant has been seen in the general population, its frequency is not high enough to rule out a pathogen ic role. Computational prediction tools and conservation analysis suggest that t he p.Arg237Cys variant may impact the protein, though this information is not pr edictive enough to determine pathogenicity. In summary, the clinical significanc e of the p.Arg237Cys variant is uncertain.

Natera, Inc.
Classification: Uncertain significance for Usher syndrome type 1F. Last evaluated: 2019-11-11. Review status: no assertion criteria provided. Collection method: clinical testing. Allele origin: germline. Not counted in ClinVar's aggregate classification.

NM_001384140.1(PCDH15):c.709C>T (p.Arg237Cys)

Gene: PCDH15 (protocadherin related 15; minus strand). Cytogenetic location: 10q21.1.
Variant type: single nucleotide variant.
Coding change: c.709C>T on transcript NM_001384140.1 (MANE Select); coding-DNA position 709, C replaced by T.
Protein change: p.Arg237Cys; replaces arginine 237 with cysteine.
Molecular consequence: missense variant.
Genome position (GRCh38, 1-based): chr10:54,317,438, G>A on the plus strand (C>T on the coding strand, the complement: PCDH15 is on the minus strand). VCF-style: chr10-54317438-G-A. GRCh37 (hg19) VCF-style: chr10-56077198-G-A.
Other names: c.724C>T, p.Arg242Cys (NM_001142771.2, NM_001142763.2, NM_001142769.4); c.709C>T, p.Arg237Cys (NM_001142772.2, NM_001354411.2, NM_001354420.2 and 7 more transcripts); c.643C>T, p.Arg215Cys (NM_001142773.2, NM_001354404.2, NM_001142768.2); c.598C>T, p.Arg200Cys (NM_001142767.2); short protein forms R237C, R215C, R200C, R242C.
Identifiers: ClinVar variation 164933 (VCV000164933.14), dbSNP rs200798008, ClinGen allele CA177613.